The following is an entry in ClinVar:

ClinVar aggregate classification (germline): Benign. Review status: criteria provided, multiple submitters, no conflicts (2 of 4 stars). 2 submissions from 2 submitters: Benign (2). Last evaluated 2018-01-12.

Conditions:
Osteogenesis imperfecta type 7 (OI7). Also called: OI type 7; OI type VII; OSTEOGENESIS IMPERFECTA, TYPE IIB; Osteogenesis imperfecta type 2B; OI type 2B; Osteogenesis imperfecta, perinatal lethal autosomal recessive. Identifiers: MedGen C1853162, MONDO:0012536, OMIM 610682.

Allele frequency attached by ClinVar (database versions not stated): gnomAD 0.04481 and 0.04635; TOPMed 0.05127; 1000 Genomes Project 0.05731; 1000 Genomes Project 30x 0.06168.

Submissions (2):

Illumina Laboratory Services, Illumina
Classification: Benign for Osteogenesis imperfecta type 7. Last evaluated: 2018-01-12. Review status: criteria provided, single submitter. Criteria: ICSL Variant Classification Criteria 13 December 2019. Collection method: clinical testing. Allele origin: germline.
Comment: This variant was observed in the ICSL laboratory as part of a predisposition screen in an ostensibly healthy population. It had not been previously curated by ICSL or reported in the Human Gene Mutation Database (HGMD: prior to June 1st, 2018), and was therefore a candidate for classification through an automated scoring system. Utilizing variant allele frequency, disease prevalence and penetrance estimates, and inheritance mode, an automated score was calculated to assess if this variant is too frequent to cause the disease. Based on the score and internal cut-off values, a variant classified as benign is not then subjected to further curation. The score for this variant resulted in a classification of benign for this disease.

Breakthrough Genomics
Classification: Benign. Review status: criteria provided, single submitter. Criteria: ACMG Guidelines, 2015. Collection method: not provided. Allele origin: germline. Inheritance: Autosomal recessive inheritance. Affected: yes.

NM_006371.5(CRTAP):c.*3793C>T

Gene: CRTAP (cartilage associated protein; plus strand). Cytogenetic location: 3p22.3.
Variant type: single nucleotide variant.
Coding change: c.*3793C>T on transcript NM_006371.5 (MANE Select); 3793 bases downstream of the stop codon, C replaced by T.
Molecular consequence: 3 prime UTR variant.
Genome position (GRCh38, 1-based): chr3:33,146,241, C>T. VCF-style: chr3-33146241-C-T. GRCh37 (hg19) VCF-style: chr3-33187733-C-T.
Identifiers: ClinVar variation 344874 (VCV000344874.6), dbSNP rs72859105, ClinGen allele CA10618159.